The following is an entry in ClinVar:

NM_177550.5(SLC13A5):c.1471A>C (p.Met491Leu)

Gene: SLC13A5 (solute carrier family 13 member 5; minus strand). Cytogenetic location: 17p13.1.
Variant type: single nucleotide variant.
Coding change: c.1471A>C on transcript NM_177550.5 (MANE Select); coding-DNA position 1471, A replaced by C.
Protein change: p.Met491Leu; replaces methionine 491 with leucine.
Molecular consequence: missense variant. On other transcripts: intron variant (1).
Genome position (GRCh38, 1-based): chr17:6,687,633, T>G on the plus strand (A>C on the coding strand, the complement: SLC13A5 is on the minus strand). VCF-style: chr17-6687633-T-G. GRCh37 (hg19) VCF-style: chr17-6590952-T-G.
Other names: c.1420A>C, p.Met474Leu (NM_001284509.2); c.1342A>C, p.Met448Leu (NM_001284510.2); c.1438-1295A>C (NM_001143838.3); short protein forms M448L, M474L, M491L.
Identifiers: ClinVar variation 2105056 (VCV002105056.4), dbSNP rs1973284945, ClinGen allele CA397738379.

ClinVar aggregate classification (germline): Uncertain significance (1 of 4 stars; one submission).

Conditions:
Developmental and epileptic encephalopathy, 25 (DEE25). Also called: Developmental and epileptic encephalopathy 25, with amelogenesis imperfecta; Epileptic encephalopathy, early infantile, 25, with amelogenesis imperfecta; Epileptic encephalopathy, early infantile, 25. Identifiers: Orphanet 442835, MedGen C4014621, MONDO:0014392, OMIM 615905.

Submission:

Labcorp Genetics (formerly Invitae), Labcorp
Classification: Uncertain significance for Developmental and epileptic encephalopathy, 25. Last evaluated: 2022-03-01. Review status: criteria provided, single submitter. Criteria: Invitae Variant Classification Sherloc (09022015). Collection method: clinical testing. Allele origin: germline.
Comment: This variant is not present in population databases (gnomAD no frequency). In summary, the available evidence is currently insufficient to determine the role of this variant in disease. Therefore, it has been classified as a Variant of Uncertain Significance. Algorithms developed to predict the effect of missense changes on protein structure and function are either unavailable or do not agree on the potential impact of this missense change (SIFT: "Deleterious"; PolyPhen-2: "Benign"; Align-GVGD: "Class C0"). This variant has not been reported in the literature in individuals affected with SLC13A5-related conditions. This sequence change replaces methionine, which is neutral and non-polar, with leucine, which is neutral and non-polar, at codon 491 of the SLC13A5 protein (p.Met491Leu).